The following is an entry in ClinVar:

NM_032638.5(GATA2):c.44C>A (p.Ala15Asp)

Gene: GATA2 (GATA binding protein 2; minus strand). Cytogenetic location: 3q21.3.
Variant type: single nucleotide variant.
Coding change: c.44C>A on transcript NM_032638.5 (MANE Select); coding-DNA position 44, C replaced by A.
Protein change: p.Ala15Asp; replaces alanine 15 with aspartic acid.
Molecular consequence: missense variant.
Genome position (GRCh38, 1-based): chr3:128,486,988, G>T on the plus strand (C>A on the coding strand, the complement: GATA2 is on the minus strand). VCF-style: chr3-128486988-G-T. GRCh37 (hg19) VCF-style: chr3-128205831-G-T.
Other names: c.44C>A, p.Ala15Asp (NM_001145661.2, NM_001145662.1); short protein forms A15D.
Identifiers: ClinVar variation 1043656 (VCV001043656.8), dbSNP rs2068710977, ClinGen allele CA354409165.
Genomic context (GRCh38, chr3:128,486,988, plus strand): 5'-TCCATGTAGTTGTGCGCCAGGCCCGGGTGGTGTGAGTCGGGGTGCTGCGCATTCAGCACG[G>T]CCGGGTGCGCCATCCAGCGCGGCTGCTCGGGCGCCACCTCCATGGCCGGCGGCGGCGGCT-3'
Protein context (NP_116027.2, residues 5-25): PEQPRWMAHP[Ala15Asp]VLNAQHPDSH

ClinVar aggregate classification (germline): Uncertain significance (1 of 4 stars; one submission).

Conditions:
Deafness-lymphedema-leukemia syndrome. Also called: Emberger syndrome; Lymphedema, primary, with myelodysplasia. Identifiers: Orphanet 3226, MedGen C3279664, MONDO:0013540, OMIM 614038.
Monocytopenia with susceptibility to infections. Also called: IMMUNODEFICIENCY 21; GATA2 DEFICIENCY; MONOCYTOPENIA AND MYCOBACTERIAL INFECTION SYNDROME; MONOCYTOPENIA WITH SUSCEPTIBILITY TO MYCOBACTERIAL, FUNGAL, AND PAPILLOMAVIRUS INFECTIONS AND MYELODYSPLASIA; COMBINED IMMUNODEFICIENCY WITH SUSCEPTIBILITY TO MYCOBACTERIAL, VIRAL, AND FUNGAL INFECTIONS; Dendritic cell, monocyte, B lymphocyte, and natural killer lymphocyte deficiency. Identifiers: Orphanet 228423, MedGen C3280030, MONDO:0013607, OMIM 614172.

Submission:

Labcorp Genetics (formerly Invitae), Labcorp
Classification: Uncertain significance for Monocytopenia with susceptibility to infections; Deafness-lymphedema-leukemia syndrome. Last evaluated: 2024-04-22. Review status: criteria provided, single submitter. Criteria: Invitae Variant Classification Sherloc (09022015). Collection method: clinical testing. Allele origin: germline.
Comment: This sequence change replaces alanine, which is neutral and non-polar, with aspartic acid, which is acidic and polar, at codon 15 of the GATA2 protein (p.Ala15Asp). This variant is not present in population databases (gnomAD no frequency). This variant has not been reported in the literature in individuals affected with GATA2-related conditions. ClinVar contains an entry for this variant (Variation ID: 1043656). Advanced modeling of protein sequence and biophysical properties (such as structural, functional, and spatial information, amino acid conservation, physicochemical variation, residue mobility, and thermodynamic stability) has been performed at Invitae for this missense variant, however the output from this modeling did not meet the statistical confidence thresholds required to predict the impact of this variant on GATA2 protein function. In summary, the available evidence is currently insufficient to determine the role of this variant in disease. Therefore, it has been classified as a Variant of Uncertain Significance.